The following is an entry in ClinVar:

ClinVar aggregate classification (germline): Uncertain significance (1 of 4 stars; one submission).

Submission:

Labcorp Genetics (formerly Invitae), Labcorp
Classification: Uncertain significance. Last evaluated: 2022-04-07. Review status: criteria provided, single submitter. Criteria: Invitae Variant Classification Sherloc (09022015). Collection method: clinical testing. Allele origin: germline.
Comment: In summary, the available evidence is currently insufficient to determine the role of this variant in disease. Therefore, it has been classified as a Variant of Uncertain Significance. Advanced modeling of protein sequence and biophysical properties (such as structural, functional, and spatial information, amino acid conservation, physicochemical variation, residue mobility, and thermodynamic stability) performed at Invitae indicates that this missense variant is not expected to disrupt ABCA12 protein function. This variant has not been reported in the literature in individuals affected with ABCA12-related conditions. This variant is present in population databases (no rsID available, gnomAD 0.006%). This sequence change replaces tyrosine, which is neutral and polar, with histidine, which is basic and polar, at codon 814 of the ABCA12 protein (p.Tyr814His).

NM_173076.3(ABCA12):c.2440T>C (p.Tyr814His)

Gene: ABCA12 (ATP binding cassette subfamily A member 12; minus strand). Cytogenetic location: 2q35.
Variant type: single nucleotide variant.
Coding change: c.2440T>C on transcript NM_173076.3 (MANE Select); coding-DNA position 2440, T replaced by C.
Protein change: p.Tyr814His; replaces tyrosine 814 with histidine.
Molecular consequence: missense variant. On other transcripts: non-coding transcript variant (1).
Genome position (GRCh38, 1-based): chr2:215,010,363, A>G on the plus strand (T>C on the coding strand, the complement: ABCA12 is on the minus strand). VCF-style: chr2-215010363-A-G. GRCh37 (hg19) VCF-style: chr2-215875087-A-G.
Other names: c.1486T>C, p.Tyr496His (NM_015657.4); short protein forms Y496H, Y814H.
Identifiers: ClinVar variation 2099447 (VCV002099447.4), dbSNP rs1167202157, ClinGen allele CA350482935.